The following is an entry in ClinVar:

NM_006218.4(PIK3CA):c.1660C>T (p.His554Tyr)

Gene: PIK3CA (phosphatidylinositol-4,5-bisphosphate 3-kinase catalytic subunit alpha; plus strand). Cytogenetic location: 3q26.32.
Variant type: single nucleotide variant.
Coding change: c.1660C>T on transcript NM_006218.4 (MANE Select); coding-DNA position 1660, C replaced by T.
Protein change: p.His554Tyr; replaces histidine 554 with tyrosine.
Molecular consequence: missense variant.
Genome position (GRCh38, 1-based): chr3:179,218,330, C>T. VCF-style: chr3-179218330-C-T. GRCh37 (hg19) VCF-style: chr3-178936118-C-T.
Other names: c.1660C>T (LRG_310t1); short protein forms H554Y.
Identifiers: ClinVar variation 665413 (VCV000665413.9), dbSNP rs1576942444, ClinGen allele CA355265291.

ClinVar aggregate classification (germline): Uncertain significance (1 of 4 stars; one submission).

Conditions:
Cowden syndrome (CS). Also called: Cowden's disease; Cowden's syndrome; Cowden disease. Identifiers: Orphanet 201, MedGen C0018553, MONDO:0016063. Disease mechanism: gain of function.

Submission:

Labcorp Genetics (formerly Invitae), Labcorp
Classification: Uncertain significance for Cowden syndrome. Last evaluated: 2018-08-15. Review status: criteria provided, single submitter. Criteria: Invitae Variant Classification Sherloc (09022015). Collection method: clinical testing. Allele origin: germline.
Comment: This sequence change replaces histidine with tyrosine at codon 554 of the PIK3CA protein (p.His554Tyr). The histidine residue is highly conserved and there is a moderate physicochemical difference between histidine and tyrosine. This variant is not present in population databases (ExAC no frequency). This variant has not been reported in the literature in individuals with PIK3CA-related disease. Algorithms developed to predict the effect of missense changes on protein structure and function (SIFT, PolyPhen-2, Align-GVGD) all suggest that this variant is likely to be tolerated, but these predictions have not been confirmed by published functional studies and their clinical significance is uncertain. In summary, the available evidence is currently insufficient to determine the role of this variant in disease. Therefore, it has been classified as a Variant of Uncertain Significance.